The following is an entry in ClinVar:

ClinVar aggregate classification (germline): Uncertain significance (1 of 4 stars; one submission).

gnomAD v4.1: 91 of 1,553,776 alleles (0.0059%); highest among the groups gnomAD compares: Non-Finnish European, 0.0072%; no homozygotes.

Submission:

GeneDx
Classification: Uncertain significance. Last evaluated: 2025-07-03. Review status: criteria provided, single submitter. Criteria: GeneDx Variant Classification Process June 2021. Collection method: clinical testing. Allele origin: germline. Affected: yes.
Comment: In silico analysis suggests that this missense variant does not alter protein structure/function; Has not been previously published as pathogenic or benign to our knowledge; Reported using an alternate transcript of the gene

NM_003193.5(TBCE):c.661-1140A>G

Gene: TBCE (tubulin folding cofactor E; plus strand). Cytogenetic location: 1q42.3.
Variant type: single nucleotide variant.
Coding change: c.661-1140A>G on transcript NM_003193.5 (MANE Select); 1140 bases into the intron before coding-DNA position 661, A replaced by G.
Molecular consequence: intron variant. On other transcripts: missense variant (1).
Genome position (GRCh38, 1-based): chr1:235,433,064, A>G. VCF-style: chr1-235433064-A-G. GRCh37 (hg19) VCF-style: chr1-235596379-A-G.
Other names: c.779A>G, p.Lys260Arg (NM_001287801.2); c.661-1140A>G (NM_001079515.3); c.322-1140A>G (NM_001287802.2); short protein forms K260R.
Identifiers: ClinVar variation 4685142 (VCV004685142.1).